The following is an entry in ClinVar:

ClinVar aggregate classification (germline): Conflicting classifications of pathogenicity. Review status: criteria provided, conflicting classifications (1 of 4 stars). 3 submissions from 3 submitters: Uncertain significance (2); Likely benign (1). Last evaluated 2025-12-17.

Conditions:
Cardiomyopathy, familial hypertrophic, 28. Identifiers: MedGen C5543616, MONDO:0030317, OMIM 619402.
FHOD3-related disorder. Also called: FHOD3-related condition.

Allele frequency attached by ClinVar (database versions not stated): ExAC 0.00003; gnomAD 0.00003; TOPMed 0.00006.

Submissions (3):

PreventionGenetics, part of Exact Sciences
Classification: Likely benign for FHOD3-related condition. Last evaluated: 2025-12-17. Review status: criteria provided, single submitter. Criteria: ACMG Guidelines, 2015. Collection method: clinical testing. Allele origin: germline.
Comment: This variant is classified as likely benign based on ACMG/AMP sequence variant interpretation guidelines (Richards et al. 2015 PMID: 25741868, with internal and published modifications).

Clinical Genomics Laboratory, Stanford Medicine
Classification: Uncertain significance for Cardiomyopathy, familial hypertrophic, 28. Last evaluated: 2025-07-01. Review status: criteria provided, single submitter. Criteria: ACMG Guidelines, 2015. Collection method: clinical testing. Allele origin: germline. Observed: 1 variant allele, 1 heterozygote.
Comment: The p.Asp310Asn variant in the FHOD3 gene has not been previously reported in association with disease. This variant has been identified in 8/10,362 Ashkenazi Jewish chromosomes (14/282,516 chromosomes overall) by the Genome Aggregation Database. Although this variant has been seen in the general population, it has not been observed at a frequency high enough. to rule out pathogenicity. The aspartic acid at position 310 is evolutionarily conserved. Computational tools predict that the p.Asp310Asn variant is deleterious; however, the accuracy of in silico algorithms is limited. These data were assessed using the ACMG/AMP variant interpretation guidelines. In summary, the significance of the p.Asp310Asn variant is uncertain. Additional information is needed to resolve the significance of this variant. [ACMG evidence codes used: PP3]

New York Genome Center
Classification: Uncertain significance for Cardiomyopathy, familial hypertrophic, 28. Last evaluated: 2023-08-30. Review status: criteria provided, single submitter. Criteria: NYGC Assertion Criteria 2020. Collection method: clinical testing. Allele origin: germline. Observed: 1 heterozygote.
Comment: The c.928G>A variant in the FHOD3 gene has previously been reported in an infant with dilated cardiomyopathy in a cohort of pediatric cardiomyopathy [PMID: 35026164]. The c.928G>A variant is observed in 28 alleles (0.005% minor allele frequency with 0 homozygotes) in population databases (gnomAD v2.1.1 and v3.1.2, and TOPMed Freeze 8). The c.2191C>T variant is located in exon 9 of this 29-exon gene and is predicted to replace an evolutionarily conserved aspartic acid amino acid with asparagine at position 310 (p.(Asp310Asn)) in the GTPase-binding domain/formin homology domain 3 (GBD/FH3) of the encoded protein [PMID:30442288]. In silico predictions are in favor of damaging effect for p.(Asp310Asn) variant [REVEL = 0.679)]; however, there are no functional studies to support or refute these predictions. Based on available evidence this c.928G>A p.(Asp310Asn) variant identified in FHOD3 is classified as a Variant of Uncertain Significance.

NM_001281740.3(FHOD3):c.928G>A (p.Asp310Asn)

Gene: FHOD3 (formin homology 2 domain containing 3; plus strand). Cytogenetic location: 18q12.2.
Variant type: single nucleotide variant.
Coding change: c.928G>A on transcript NM_001281740.3 (MANE Select); coding-DNA position 928, G replaced by A.
Protein change: p.Asp310Asn; replaces aspartic acid 310 with asparagine.
Molecular consequence: missense variant.
Genome position (GRCh38, 1-based): chr18:36,612,066, G>A. VCF-style: chr18-36612066-G-A. GRCh37 (hg19) VCF-style: chr18-34192029-G-A.
Other names: c.928G>A, p.Asp310Asn (NM_001281739.3, NM_025135.5); short protein forms D310N.
Identifiers: ClinVar variation 2665093 (VCV002665093.3), dbSNP rs770559364, ClinGen allele CA8941463.